The following is an entry in ClinVar:

NM_003024.3(ITSN1):c.2400T>G (p.Tyr800Ter)

Gene: ITSN1 (intersectin 1; plus strand). Cytogenetic location: 21q22.11.
Variant type: single nucleotide variant.
Coding change: c.2400T>G on transcript NM_003024.3 (MANE Select); coding-DNA position 2400, T replaced by G.
Protein change: p.Tyr800Ter; replaces tyrosine 800 with a stop codon.
Molecular consequence: nonsense.
Genome position (GRCh38, 1-based): chr21:33,811,055, T>G. VCF-style: chr21-33811055-T-G. GRCh37 (hg19) VCF-style: chr21-35183359-T-G.
Other names: c.2400T>G, p.Tyr800Ter (NM_001001132.2, NM_001331008.2); c.2385T>G, p.Tyr795Ter (NM_001331009.2, NM_001331010.2, NM_001331011.2); c.2274T>G, p.Tyr758Ter (NM_001331012.2); short protein forms Y758*, Y800*, Y795*.
Identifiers: ClinVar variation 4726145 (VCV004726145.1).

ClinVar aggregate classification (germline): Pathogenic (1 of 4 stars; one submission).

Submission:

Labcorp Genetics (formerly Invitae), Labcorp
Classification: Pathogenic. Last evaluated: 2025-08-27. Review status: criteria provided, single submitter. Criteria: Invitae Variant Classification Sherloc (09022015). Collection method: clinical testing. Allele origin: germline.
Comment: This sequence change creates a premature translational stop signal (p.Tyr800*) in the ITSN1 gene. It is expected to result in an absent or disrupted protein product. Loss-of-function variants in ITSN1 are known to be pathogenic (PMID: 34707297). This variant is not present in population databases (gnomAD no frequency). This variant has not been reported in the literature in individuals affected with ITSN1-related conditions. For these reasons, this variant has been classified as Pathogenic.

Literature cited by the submitters: PubMed 34707297.